The following is an entry in ClinVar:

NM_014806.5(RUSC2):c.3190C>T (p.Arg1064Cys)

Gene: RUSC2 (RUN and SH3 domain containing 2; plus strand). Cytogenetic location: 9p13.3.
Variant type: single nucleotide variant.
Coding change: c.3190C>T on transcript NM_014806.5 (MANE Select); coding-DNA position 3190, C replaced by T.
Protein change: p.Arg1064Cys; replaces arginine 1064 with cysteine.
Molecular consequence: missense variant. On other transcripts: non-coding transcript variant (1).
Genome position (GRCh38, 1-based): chr9:35,558,326, C>T. VCF-style: chr9-35558326-C-T. GRCh37 (hg19) VCF-style: chr9-35558323-C-T.
Other names: c.3190C>T, p.Arg1064Cys (NM_001135999.2); c.556C>T, p.Arg186Cys (NM_001330740.2); short protein forms R1064C, R186C.
Identifiers: ClinVar variation 2396303 (VCV002396303.5), dbSNP rs371582786, ClinGen allele CA5044076.

ClinVar aggregate classification (germline): Uncertain significance. Review status: criteria provided, multiple submitters, no conflicts (2 of 4 stars). 2 submissions from 2 submitters: Uncertain significance (2). Last evaluated 2023-11-08.

Allele frequency attached by ClinVar (database versions not stated): gnomAD exomes 0.00001; ExAC 0.00002; gnomAD 0.00002; TOPMed 0.00002; ESP Exome Variant Server 0.00008.
gnomAD v4.1: 19 of 1,614,010 alleles (0.0012%); highest among the groups gnomAD compares: Admixed American, 0.0083%; no homozygotes.

Submissions (2):

Labcorp Genetics (formerly Invitae), Labcorp
Classification: Uncertain significance. Last evaluated: 2023-11-08. Review status: criteria provided, single submitter. Criteria: Invitae Variant Classification Sherloc (09022015). Collection method: clinical testing. Allele origin: germline.
Comment: This sequence change replaces arginine, which is basic and polar, with cysteine, which is neutral and slightly polar, at codon 1064 of the RUSC2 protein (p.Arg1064Cys). This variant is present in population databases (rs371582786, gnomAD 0.01%). This variant has not been reported in the literature in individuals affected with RUSC2-related conditions. ClinVar contains an entry for this variant (Variation ID: 2396303). An algorithm developed to predict the effect of missense changes on protein structure and function (PolyPhen-2) suggests that this variant is likely to be disruptive. In summary, the available evidence is currently insufficient to determine the role of this variant in disease. Therefore, it has been classified as a Variant of Uncertain Significance.

Ambry Genetics
Classification: Uncertain significance. Last evaluated: 2022-04-12. Review status: criteria provided, single submitter. Criteria: Ambry Variant Classification Scheme 2023. Collection method: clinical testing. Allele origin: germline.